The following is an entry in ClinVar:

ClinVar aggregate classification (germline): Likely pathogenic (1 of 4 stars; one submission).

Conditions:
Marfan Syndrome/Loeys-Dietz Syndrome/Familial Thoracic Aortic Aneurysms and Dissections. Identifiers: MedGen CN229799.

Submission:

Women's Health and Genetics/Laboratory Corporation of America, LabCorp
Classification: Likely pathogenic for Marfan Syndrome/Loeys-Dietz Syndrome/Familial Thoracic Aortic Aneurysms and Dissections. Last evaluated: 2016-06-30. Review status: criteria provided, single submitter. Criteria: LabCorp Variant Classification Summary - May 2015. Collection method: clinical testing. Allele origin: germline.
Comment: Variant summary: The FBN1 c.3024T>A (p.Cys1008X) nonsense variant results in a premature termination codon at codon 1008 (located in exon 25), predicted to cause a truncated or absent FBN1 protein due to nonsense mediated decay, which are commonly known mechanisms for disease. If this variant produces a truncated protein product, it would truncate several domains in the C-terminal half of Fibrillin-1, including: EGF-like domains, TB domains, EGF-like calcium binding domains, and growth factor receptor cysteine-rich domains. Additionally, truncations downstream of this position have been classified as pathogenic by our laboratory (e.g. p.Glu1325fsX3, p.Cys1408X, p.Arg1523X, etc.), and one in silico tool predicts a damaging outcome for this variant. This variant was absent in 121338 control chromosomes, and has not, to our knowledge, been reported in affected individuals via publications and/or reputable databases/clinical diagnostic laboratories; nor evaluated for functional impact by in vivo/vitro studies. Nonsense mutations in exon 25 have been cited in patients with unequal distribution regarding the type of MFS presentation (classic vs incomplete MFS; UMD) and a variable degree of manifestation of organ systems (Faivre et al., 2009; PMID 19002209). Taken together, this variant is classified as Likely Pathogenic until additional information is available.

NM_000138.5(FBN1):c.3024T>A (p.Cys1008Ter)

Gene: FBN1 (fibrillin 1; minus strand). Cytogenetic location: 15q21.1.
Variant type: single nucleotide variant.
Coding change: c.3024T>A on transcript NM_000138.5 (MANE Select); coding-DNA position 3024, T replaced by A.
Protein change: p.Cys1008Ter; replaces cysteine 1008 with a stop codon.
Molecular consequence: nonsense.
Genome position (GRCh38, 1-based): chr15:48,489,909, A>T on the plus strand (T>A on the coding strand, the complement: FBN1 is on the minus strand). VCF-style: chr15-48489909-A-T. GRCh37 (hg19) VCF-style: chr15-48782106-A-T.
Other names: short protein forms C1008*.
Identifiers: ClinVar variation 495584 (VCV000495584.1), dbSNP rs1057523654, ClinGen allele CA392328996.